The following is an entry in ClinVar:

NM_015915.5(ATL1):c.1502G>A (p.Arg501Gln)

Gene: ATL1 (atlastin GTPase 1; plus strand). Cytogenetic location: 14q22.1.
Variant type: single nucleotide variant.
Coding change: c.1502G>A on transcript NM_015915.5 (MANE Select); coding-DNA position 1502, G replaced by A.
Protein change: p.Arg501Gln; replaces arginine 501 with glutamine.
Molecular consequence: missense variant.
Genome position (GRCh38, 1-based): chr14:50,628,413, G>A. VCF-style: chr14-50628413-G-A. GRCh37 (hg19) VCF-style: chr14-51095131-G-A.
Other names: c.1502G>A, p.Arg501Gln (NM_001127713.1, NM_181598.4); short protein forms R501Q.
Identifiers: ClinVar variation 1478086 (VCV001478086.8), dbSNP rs374795927, ClinGen allele CA7180491.

ClinVar aggregate classification (germline): Uncertain significance (1 of 4 stars; one submission).

Conditions:
Hereditary spastic paraplegia 3A (SPG3A). Also called: SPASTIC PARAPLEGIA 3, AUTOSOMAL DOMINANT; FAMILIAL SPASTIC PARAPLEGIA, AUTOSOMAL DOMINANT, 1; SPG3; STRUMPELL DISEASE; Spastic paraplegia 3A, autosomal dominant; Spastic Paraplegia 3A. Identifiers: Orphanet 100984, MedGen C2931355, MONDO:0008437, OMIM 182600.

Allele frequency attached by ClinVar (database versions not stated): gnomAD exomes below 0.00001; TOPMed below 0.00001; gnomAD 0.00001; ExAC 0.00002; ESP Exome Variant Server 0.00008.
gnomAD v4.1: 6 of 1,613,986 alleles (0.00037%); highest among the groups gnomAD compares: South Asian, 0.0022%; no homozygotes.

Submission:

Labcorp Genetics (formerly Invitae), Labcorp
Classification: Uncertain significance for Hereditary spastic paraplegia 3A. Last evaluated: 2021-04-27. Review status: criteria provided, single submitter. Criteria: Invitae Variant Classification Sherloc (09022015). Collection method: clinical testing. Allele origin: germline.
Comment: This sequence change replaces arginine with glutamine at codon 501 of the ATL1 protein (p.Arg501Gln). The arginine residue is highly conserved and there is a small physicochemical difference between arginine and glutamine. In summary, the available evidence is currently insufficient to determine the role of this variant in disease. Therefore, it has been classified as a Variant of Uncertain Significance. Advanced modeling of protein sequence and biophysical properties (such as structural, functional, and spatial information, amino acid conservation, physicochemical variation, residue mobility, and thermodynamic stability) performed at Invitae indicates that this missense variant is expected to disrupt ATL1 protein function. This variant has not been reported in the literature in individuals with ATL1-related conditions. This variant is present in population databases (rs374795927, ExAC 0.006%).